The following is an entry in ClinVar:

ClinVar aggregate classification (germline): Uncertain significance. Review status: criteria provided, multiple submitters, no conflicts (2 of 4 stars). 2 submissions from 2 submitters: Uncertain significance (2). Last evaluated 2026-01-14.

Conditions:
SPG11-related disorder. Also called: SPG11-related condition.
Hereditary spastic paraplegia 11. Also called: Spastic Paraplegia 11; SPASTIC PARAPLEGIA, AUTOSOMAL RECESSIVE, COMPLICATED, WITH THIN CORPUS CALLOSUM; SPASTIC PARAPLEGIA, AUTOSOMAL RECESSIVE, WITH MENTAL IMPAIRMENT AND THIN CORPUS CALLOSUM; Spastic paraplegia, mental retardation and thin corpus callosum; Nakamura Osame syndrome; Autosomal recessive hereditary spastic paraplegia, mental impairment, and thin corpus callosum. Identifiers: Orphanet 2822, MedGen C1858479, MONDO:0011445, OMIM 604360.

Allele frequency attached by ClinVar (database versions not stated): gnomAD exomes 0.00001.
gnomAD v4.1: 11 of 1,609,758 alleles (0.00068%); highest among the groups gnomAD compares: Non-Finnish European, 0.00085%; no homozygotes.

Submissions (2):

PreventionGenetics, part of Exact Sciences
Classification: Uncertain significance for SPG11-related condition. Last evaluated: 2026-01-14. Review status: criteria provided, single submitter. Criteria: ACMG Guidelines, 2015. Collection method: clinical testing. Allele origin: germline.
Comment: The SPG11 c.1696G>A variant is predicted to result in the amino acid substitution p.Asp566Asn. To our knowledge, this variant has not been reported in the literature or in a large population database (gnomAD), indicating this variant is rare. At this time, the clinical significance of this variant is uncertain due to the absence of conclusive functional and genetic evidence.

Labcorp Genetics (formerly Invitae), Labcorp
Classification: Uncertain significance for Hereditary spastic paraplegia 11. Last evaluated: 2022-04-13. Review status: criteria provided, single submitter. Criteria: Invitae Variant Classification Sherloc (09022015). Collection method: clinical testing. Allele origin: germline.
Comment: This sequence change replaces aspartic acid, which is acidic and polar, with asparagine, which is neutral and polar, at codon 566 of the SPG11 protein (p.Asp566Asn). This variant is not present in population databases (gnomAD no frequency). This variant has not been reported in the literature in individuals affected with SPG11-related conditions. ClinVar contains an entry for this variant (Variation ID: 957469). Algorithms developed to predict the effect of missense changes on protein structure and function (SIFT, PolyPhen-2, Align-GVGD) all suggest that this variant is likely to be tolerated. In summary, the available evidence is currently insufficient to determine the role of this variant in disease. Therefore, it has been classified as a Variant of Uncertain Significance.

NM_025137.4(SPG11):c.1696G>A (p.Asp566Asn)

Gene: SPG11 (SPG11 vesicle trafficking associated, spatacsin; minus strand). Cytogenetic location: 15q21.1.
Variant type: single nucleotide variant.
Coding change: c.1696G>A on transcript NM_025137.4 (MANE Select); coding-DNA position 1696, G replaced by A.
Protein change: p.Asp566Asn; replaces aspartic acid 566 with asparagine.
Molecular consequence: missense variant.
Genome position (GRCh38, 1-based): chr15:44,633,544, C>T on the plus strand (G>A on the coding strand, the complement: SPG11 is on the minus strand). VCF-style: chr15-44633544-C-T. GRCh37 (hg19) VCF-style: chr15-44925742-C-T.
Other names: c.1696G>A, p.Asp566Asn (NM_001160227.2); short protein forms D566N.
Identifiers: ClinVar variation 957469 (VCV000957469.8), dbSNP rs2084145691, ClinGen allele CA392235252.
Genomic context (GRCh38, chr15:44,633,544, plus strand): 5'-AGAAATCTTTATTCCACTTACTTCTTAAATATAAATGGGATGACAAGTGATCAAACTGAT[C>T]AGATACAGAAGATTTTGAGGATGGATTAAAAAGATTTTCCTTGCTCTTCAAAAAGAAATT-3'
Protein context (NP_079413.3, residues 556-576): FNPSSKSSVS[Asp566Asn]QFDHLSSHLY